The following is an entry in ClinVar:

NM_000214.3(JAG1):c.33G>C (p.Gly11=)

Gene: JAG1 (jagged canonical Notch ligand 1; minus strand). Cytogenetic location: 20p12.2.
Variant type: single nucleotide variant.
Coding change: c.33G>C on transcript NM_000214.3 (MANE Select); coding-DNA position 33, G replaced by C.
Protein change: p.Gly11=; no amino-acid change (glycine 11 retained).
Molecular consequence: synonymous variant.
Genome position (GRCh38, 1-based): chr20:10,673,498, C>G on the plus strand (G>C on the coding strand, the complement: JAG1 is on the minus strand). VCF-style: chr20-10673498-C-G. GRCh37 (hg19) VCF-style: chr20-10654146-C-G.
Identifiers: ClinVar variation 3573227 (VCV003573227.2).

Conditions:
Arteriohepatic dysplasia. Also called: Alagille Syndrome. Identifiers: Orphanet 52, MedGen C0085280, MeSH D016738, MONDO:0007318.

Submission:

Gilbert/Spinner Lab, Children's Hospital of Philadelphia
No classification provided (evidence only). Condition: Alagille syndrome. Review status: no classification provided. Collection method: research. Allele origin: not applicable. Functional consequence: functionally_abnormal.
ClinVar note: "not provided" was previously submitted as the classification for the variant. However, the classification appeared to be based only on an observation of functional data so it was converted to no classification on 2025-07-30.